The following is an entry in ClinVar:

NM_004329.3(BMPR1A):c.67+5del

Gene: BMPR1A (bone morphogenetic protein receptor type 1A; plus strand). Cytogenetic location: 10q23.2.
Variant type: Deletion.
Coding change: c.67+5del on transcript NM_004329.3 (MANE Select); 5 bases into the intron after coding-DNA position 67, one base deleted (A; older notation c.67+5delA).
Molecular consequence: intron variant.
Genome position (GRCh38, 1-based): chr10:86,876,090, A deleted; the last of 3 consecutive A bases (chr10:86,876,088-86,876,090); deleting any one gives the same sequence. VCF-style (leftmost placement, unchanged base first): chr10-86876087-TA-T. GRCh37 (hg19) VCF-style: chr10-88635844-TA-T.
Other names: c.67+5del (NM_001406562.1, NM_001406568.1, NM_001406567.1 and 23 more transcripts); c.-17-13972del (NM_001406584.1, NM_001406587.1, NM_001406585.1); c.-13+5del (NM_001406588.1); c.-12-13977del (NM_001406586.1).
Identifiers: ClinVar variation 3223961 (VCV003223961.1), dbSNP rs2539351365, ClinGen allele CA2825001731.
Genomic context (GRCh38, chr10:86,876,087, plus strand): 5'-GCTATACATTTACATCAGATTATTGGGAGCCTATTTGTTCATCATTTCTCGTGTTCAAGG[TA>T]AATCAGTGTTCATTTTAGTAATGTATGTGTGTATATAAAAAGCACTATTTCTTGCTTCTG-3'

ClinVar aggregate classification (germline): Uncertain significance (1 of 4 stars; one submission).

Conditions:
Hereditary cancer-predisposing syndrome. Also called: Tumor predisposition; Hereditary neoplastic syndrome; Hereditary Cancer Syndrome; Neoplastic Syndromes, Hereditary. Identifiers: Orphanet 140162, MedGen C0027672, MeSH D009386, MONDO:0015356.

Submission:

Ambry Genetics
Classification: Uncertain significance for Hereditary cancer-predisposing syndrome. Last evaluated: 2023-11-29. Review status: criteria provided, single submitter. Criteria: Ambry Variant Classification Scheme 2023. Collection method: clinical testing. Allele origin: germline.
Comment: The c.67+5delA intronic variant is located 5 nucleotide(s) after coding exon 1 of the BMPR1A gene. This variant results from a deletion of one nucleotide at position c.67+5. This nucleotide position is not well conserved in available vertebrate species. In silico splice site analysis predicts that this alteration will not have any significant effect on splicing. Since supporting evidence is limited at this time, the clinical significance of this alteration remains unclear.